The following is an entry in ClinVar:

NM_001040142.2(SCN2A):c.647T>C (p.Leu216Ser)

Gene: SCN2A (sodium voltage-gated channel alpha subunit 2; plus strand). Cytogenetic location: 2q24.3.
Variant type: single nucleotide variant.
Coding change: c.647T>C on transcript NM_001040142.2 (MANE Select); coding-DNA position 647, T replaced by C.
Protein change: p.Leu216Ser; replaces leucine 216 with serine.
Molecular consequence: missense variant. On other transcripts: intron variant (2).
Genome position (GRCh38, 1-based): chr2:165,309,393, T>C. VCF-style: chr2-165309393-T-C. GRCh37 (hg19) VCF-style: chr2-166165903-T-C.
Other names: c.647T>C, p.Leu216Ser (NM_001371247.1, NM_021007.3); c.697+137T>C (NM_001040143.2, NM_001371246.1); short protein forms L216S.
Identifiers: ClinVar variation 2444039 (VCV002444039.1), dbSNP rs796053203, ClinGen allele CA349017446.

ClinVar aggregate classification (germline): Likely pathogenic (1 of 4 stars; one submission).

Conditions:
Developmental and epileptic encephalopathy, 11 (DEE11). Also called: Early infantile epileptic encephalopathy 11. Identifiers: Orphanet 1934, MedGen C3150987, MONDO:0013388, OMIM 613721.

Submission:

3billion
Classification: Likely pathogenic for Developmental and epileptic encephalopathy, 11. Last evaluated: 2023-02-23. Review status: criteria provided, single submitter. Criteria: ACMG Guidelines, 2015. Collection method: clinical testing. Allele origin: unknown. Affected: yes.
Comment: The variant is not observed in the gnomAD v2.1.1 dataset. The variant is located in a mutational hot spot and/or well-established functional domain in which established pathogenic variants have been reported. In silico tool predictions suggest damaging effect of the variant on gene or gene product (REVEL: 0.89; 3Cnet: 1.00). A different missense change at the same codon (p.Leu216Trp) has been reported as pathogenic/likely pathogenic with strong evidence (ClinVar ID: VCV000207088 / PMID: 30109124). Therefore, this variant is classified as Likely pathogenic according to the recommendation of ACMG/AMP guideline.

Literature cited by the submitters: PubMed 30109124.